The following is an entry in ClinVar:

ClinVar aggregate classification (germline): Benign (0 of 4 stars; one submission).

Conditions:
SLC7A2-related disorder. Also called: SLC7A2-related condition.

Allele frequency attached by ClinVar (database versions not stated): ESP Exome Variant Server 0.00046; gnomAD 0.00073; ExAC 0.00185; 1000 Genomes Project 30x 0.00203; 1000 Genomes Project 0.00240.
gnomAD v4.1: 1,547 of 1,614,006 alleles (0.096%); highest among the groups gnomAD compares: South Asian, 0.87%; 9 homozygotes.

Submission:

PreventionGenetics, part of Exact Sciences
Classification: Benign for SLC7A2-related condition. Last evaluated: 2019-11-13. Review status: no assertion criteria provided. Collection method: clinical testing. Allele origin: germline.
Comment: This variant is classified as benign based on ACMG/AMP sequence variant interpretation guidelines (Richards et al. 2015 PMID: 25741868, with internal and published modifications).

NM_001370338.1(SLC7A2):c.1581C>T (p.Leu527=)

Gene: SLC7A2 (solute carrier family 7 member 2; plus strand). Cytogenetic location: 8p22.
Variant type: single nucleotide variant.
Coding change: c.1581C>T on transcript NM_001370338.1 (MANE Select); coding-DNA position 1581, C replaced by T.
Protein change: p.Leu527=; no amino-acid change (leucine 527 retained).
Molecular consequence: synonymous variant.
Genome position (GRCh38, 1-based): chr8:17,562,020, C>T. VCF-style: chr8-17562020-C-T. GRCh37 (hg19) VCF-style: chr8-17419529-C-T.
Other names: c.1581C>T, p.Leu527= (NM_001008539.4); c.1701C>T, p.Leu567= (NM_001164771.2); c.1578C>T, p.Leu526= (NM_001370337.1); c.1698C>T, p.Leu566= (NM_003046.6).
Identifiers: ClinVar variation 3038473 (VCV003038473.2), dbSNP rs139462829, ClinGen allele CA4645210.